The following is an entry in ClinVar:

NM_032485.6(MCM8):c.790-2A>G

Gene: MCM8 (minichromosome maintenance 8 homologous recombination repair factor; plus strand). Cytogenetic location: 20p12.3.
Variant type: single nucleotide variant.
Coding change: c.790-2A>G on transcript NM_032485.6 (MANE Select); the canonical splice acceptor site of the intron before coding-DNA position 790, A replaced by G.
Molecular consequence: splice acceptor variant.
Genome position (GRCh38, 1-based): chr20:5,963,272, A>G. VCF-style: chr20-5963272-A-G. GRCh37 (hg19) VCF-style: chr20-5943918-A-G.
Other names: c.790-2A>G (NM_001281520.2, NM_182802.3, NM_001281522.2 and 1 more transcripts).
Identifiers: ClinVar variation 2419952 (VCV002419952.4), dbSNP rs2514428654, ClinGen allele CA408195562.

ClinVar aggregate classification (germline): Likely pathogenic (1 of 4 stars; one submission).

Allele frequency attached by ClinVar (database versions not stated): gnomAD exomes below 0.00001.
gnomAD v4.1: 1 of 1,611,380 alleles (0.000062%); highest among the groups gnomAD compares: Non-Finnish European, 0.000085%; no homozygotes.

Submission:

Labcorp Genetics (formerly Invitae), Labcorp
Classification: Likely pathogenic. Last evaluated: 2022-06-27. Review status: criteria provided, single submitter. Criteria: Invitae Variant Classification Sherloc (09022015). Collection method: clinical testing. Allele origin: germline.
Comment: This sequence change affects an acceptor splice site in intron 7 of the MCM8 gene. It is expected to disrupt RNA splicing. Variants that disrupt the donor or acceptor splice site typically lead to a loss of protein function (PMID: 16199547), and loss-of-function variants in MCM8 are known to be pathogenic (PMID: 22771120, 25873734, 31042289). This variant is not present in population databases (gnomAD no frequency). This variant has not been reported in the literature in individuals affected with MCM8-related conditions. Algorithms developed to predict the effect of sequence changes on RNA splicing suggest that this variant may disrupt the consensus splice site. In summary, the currently available evidence indicates that the variant is pathogenic, but additional data are needed to prove that conclusively. Therefore, this variant has been classified as Likely Pathogenic.

Literature cited by the submitters: PubMed 16199547; PubMed 22771120; PubMed 25873734; PubMed 31042289.